The following is an entry in ClinVar:

NM_178172.6(GPIHBP1):c.263C>G (p.Thr88Ser)

Gene: GPIHBP1 (glycosylphosphatidylinositol anchored high density lipoprotein binding protein 1; plus strand). Cytogenetic location: 8q24.3.
Variant type: single nucleotide variant.
Coding change: c.263C>G on transcript NM_178172.6 (MANE Select); coding-DNA position 263, C replaced by G.
Protein change: p.Thr88Ser; replaces threonine 88 with serine.
Molecular consequence: missense variant.
Genome position (GRCh38, 1-based): chr8:143,215,094, C>G. VCF-style: chr8-143215094-C-G. GRCh37 (hg19) VCF-style: chr8-144296969-C-G.
Other names: c.263C>G, p.Thr88Ser (NM_001301772.2); short protein forms T88S.
Identifiers: ClinVar variation 4827378 (VCV004827378.1).
Genomic context (GRCh38, chr8:143,215,094, plus strand): 5'-GCAAGTCCCTGCCCAGGGACGAGCGCTGCAACCTGACGCAGAACTGCTCACATGGCCAGA[C>G]CTGCACAACCCTCATTGCCCACGGGAACACCGGTAAGTGGGCGTGGGGCCGCAGCACATG-3'
Protein context (NP_835466.2, residues 78-98): NLTQNCSHGQ[Thr88Ser]CTTLIAHGNT

ClinVar aggregate classification (germline): Uncertain significance (1 of 4 stars; one submission).

Conditions:
Cardiovascular phenotype. Identifiers: MedGen CN230736.

Submission:

Ambry Genetics
Classification: Uncertain significance for Cardiovascular phenotype. Last evaluated: 2026-03-11. Review status: criteria provided, single submitter. Criteria: Ambry Variant Classification Scheme 2023. Collection method: clinical testing. Allele origin: germline.
Comment: The p.T88S variant (also known as c.263C>G), located in coding exon 3 of the GPIHBP1 gene, results from a C to G substitution at nucleotide position 263. The threonine at codon 88 is replaced by serine, an amino acid with similar properties. This amino acid position is conserved. In addition, this alteration is predicted to be tolerated by in silico analysis. Based on the available evidence, the clinical significance of this variant remains unclear.